The following is an entry in ClinVar:

ClinVar aggregate classification (germline): Likely benign. Review status: criteria provided, multiple submitters, no conflicts (2 of 4 stars). 2 submissions from 2 submitters: Likely benign (2). Last evaluated 2023-05-04.

Conditions:
Malignant hyperthermia, susceptibility to, 5 (MHS5). Also called: CACNA1S-Related Malignant Hyperthermia Susceptibility. Identifiers: Orphanet 423, MedGen C1866077, MONDO:0011163, OMIM 601887.
Hypokalemic periodic paralysis, type 1. Also called: Hypokalemic Periodic Paralysis Type 1 (AD); HypoPP. Identifiers: Orphanet 681, MedGen C3714580, MONDO:0042979, OMIM 170400.

Allele frequency attached by ClinVar (database versions not stated): gnomAD exomes 0.00001.
gnomAD v4.1: 8 of 1,614,008 alleles (0.0005%); highest among the groups gnomAD compares: South Asian, 0.0022%; no homozygotes.

Submissions (2):

All of Us Research Program, National Institutes of Health
Classification: Likely benign for Malignant hyperthermia, susceptibility to, 5. Last evaluated: 2023-05-04. Review status: criteria provided, single submitter. Criteria: ACMG Guidelines, 2015. Collection method: clinical testing. Allele origin: germline. Inheritance: Autosomal dominant inheritance. Observed: 1 variant allele, 1 heterozygote.
Comment: This study involves interpretation of variants in research participants for the purpose of population health screening. Participant phenotype was not available at the time of variant classification. Additional details can be found in publication PMID: 35346344, PMCID: PMC8962531

Labcorp Genetics (formerly Invitae), Labcorp
Classification: Likely benign for Hypokalemic periodic paralysis, type 1; Malignant hyperthermia, susceptibility to, 5. Last evaluated: 2023-03-19. Review status: criteria provided, single submitter. Criteria: Invitae Variant Classification Sherloc (09022015). Collection method: clinical testing. Allele origin: germline.

NM_000069.3(CACNA1S):c.4185C>T (p.Gly1395=)

Gene: CACNA1S (calcium voltage-gated channel subunit alpha1 S; minus strand). Cytogenetic location: 1q32.1.
Variant type: single nucleotide variant.
Coding change: c.4185C>T on transcript NM_000069.3 (MANE Select); coding-DNA position 4185, C replaced by T.
Protein change: p.Gly1395=; no amino-acid change (glycine 1395 retained).
Molecular consequence: synonymous variant.
Genome position (GRCh38, 1-based): chr1:201,050,445, G>A on the plus strand (C>T on the coding strand, the complement: CACNA1S is on the minus strand). VCF-style: chr1-201050445-G-A. GRCh37 (hg19) VCF-style: chr1-201019573-G-A.
Identifiers: ClinVar variation 2931505 (VCV002931505.4), dbSNP rs1374411779, ClinGen allele CA422719038.